The following is an entry in ClinVar:

ClinVar aggregate classification (germline): Likely benign (1 of 4 stars; one submission).

Conditions:
Breast-ovarian cancer, familial, susceptibility to, 4. Identifiers: Orphanet 145, MedGen C3280345, MONDO:0013669, OMIM 614291.

Submission:

Myriad Genetics, Inc.
Classification: Likely benign for Breast-ovarian cancer, familial, susceptibility to, 4. Last evaluated: 2025-02-24. Review status: criteria provided, single submitter. Criteria: Myriad Autosomal Dominant, Autosomal Recessive and X-Linked Classification Criteria (2023). Collection method: clinical testing. Allele origin: unknown.
Comment: This variant is considered likely benign. This variant is intronic and is not expected to impact mRNA splicing.

NM_002878.4(RAD51D):c.739-17G>A

Genes: RAD51D (RAD51 paralog D; minus strand), RAD51L3-RFFL (RAD51L3-RFFL readthrough; minus strand). Cytogenetic location: 17q12.
Variant type: single nucleotide variant.
Coding change: c.739-17G>A on transcript NM_002878.4 (MANE Select); 17 bases into the intron before coding-DNA position 739, G replaced by A.
Molecular consequence: intron variant.
Genome position (GRCh38, 1-based): chr17:35,101,382, C>T on the plus strand (G>A on the coding strand, the complement: RAD51D is on the minus strand). VCF-style: chr17-35101382-C-T. GRCh37 (hg19) VCF-style: chr17-33428401-C-T.
Other names: c.403-17G>A (NM_133629.3); c.799-17G>A (NM_001142571.2).
Identifiers: ClinVar variation 3904063 (VCV003904063.1).